The following is an entry in ClinVar:

ClinVar aggregate classification (germline): Uncertain significance. Review status: criteria provided, multiple submitters, no conflicts (2 of 4 stars). 2 submissions from 2 submitters: Uncertain significance (2). Last evaluated 2025-08-26.

Conditions:
Inborn genetic diseases. Identifiers: MedGen C0950123, MeSH D030342.

Allele frequency attached by ClinVar (database versions not stated): gnomAD exomes below 0.00001; TOPMed below 0.00001; gnomAD 0.00001.
gnomAD v4.1: 2 of 1,614,004 alleles (0.00012%); highest among the groups gnomAD compares: Non-Finnish European, 0.000085%; no homozygotes.

Submissions (2):

Ambry Genetics
Classification: Uncertain significance for Inborn genetic diseases. Last evaluated: 2025-08-26. Review status: criteria provided, single submitter. Criteria: Ambry Variant Classification Scheme 2023. Collection method: clinical testing. Allele origin: germline.

Labcorp Genetics (formerly Invitae), Labcorp
Classification: Uncertain significance. Last evaluated: 2023-05-01. Review status: criteria provided, single submitter. Criteria: Invitae Variant Classification Sherloc (09022015). Collection method: clinical testing. Allele origin: germline.
Comment: This sequence change replaces arginine, which is basic and polar, with tryptophan, which is neutral and slightly polar, at codon 40 of the AP2M1 protein (p.Arg40Trp). This variant is present in population databases (no rsID available, gnomAD no frequency). This variant has not been reported in the literature in individuals affected with AP2M1-related conditions. An algorithm developed to predict the effect of missense changes on protein structure and function (PolyPhen-2) suggests that this variant is likely to be tolerated. In summary, the available evidence is currently insufficient to determine the role of this variant in disease. Therefore, it has been classified as a Variant of Uncertain Significance.

NM_004068.4(AP2M1):c.118C>T (p.Arg40Trp)

Gene: AP2M1 (adaptor related protein complex 2 subunit mu 1; plus strand). Cytogenetic location: 3q27.1.
Variant type: single nucleotide variant.
Coding change: c.118C>T on transcript NM_004068.4 (MANE Select); coding-DNA position 118, C replaced by T.
Protein change: p.Arg40Trp; replaces arginine 40 with tryptophan.
Molecular consequence: missense variant.
Genome position (GRCh38, 1-based): chr3:184,178,900, C>T. VCF-style: chr3-184178900-C-T. GRCh37 (hg19) VCF-style: chr3-183896688-C-T.
Other names: c.118C>T, p.Arg40Trp (NM_001025205.2); c.193C>T, p.Arg65Trp (NM_001311198.2); c.118C>T (NM_004068.3); short protein forms R65W, R40W.
Identifiers: ClinVar variation 2861061 (VCV002861061.4), dbSNP rs1167948297, ClinGen allele CA355420110.